The following is an entry in ClinVar:

ClinVar aggregate classification (germline): Conflicting classifications of pathogenicity. Review status: criteria provided, conflicting classifications (1 of 4 stars). 2 submissions from 1 submitter: Uncertain significance (1); Likely benign (1). Last evaluated 2018-01-13.

Conditions:
Autosomal dominant nonsyndromic hearing loss 10. Identifiers: Orphanet 90635, MedGen C1832476, MONDO:0011031, OMIM 601316.
Dilated cardiomyopathy 1J (CMD1J). Also called: CARDIOMYOPATHY, DILATED, WITH SENSORINEURAL HEARING LOSS, AUTOSOMAL DOMINANT. Identifiers: Orphanet 217622, MedGen C1854368, MONDO:0011541, OMIM 605362.

Allele frequency attached by ClinVar (database versions not stated): gnomAD 0.00001; 1000 Genomes Project 0.00040; 1000 Genomes Project 30x 0.00062.
gnomAD v4.1: 2 of 985,774 alleles (0.0002%); highest among the groups gnomAD compares: East Asian, 0.023%; no homozygotes.

Submissions (2):

Illumina Laboratory Services, Illumina
Classification: Uncertain significance for Dilated cardiomyopathy 1J. Last evaluated: 2018-01-13. Review status: criteria provided, single submitter. Criteria: ICSL Variant Classification Criteria 13 December 2019. Collection method: clinical testing. Allele origin: germline.

Illumina Laboratory Services, Illumina
Classification: Likely benign for Autosomal dominant nonsyndromic hearing loss 10. Last evaluated: 2018-01-13. Review status: criteria provided, single submitter. Criteria: ICSL Variant Classification Criteria 13 December 2019. Collection method: clinical testing. Allele origin: germline.
Comment: This variant was observed in the ICSL laboratory as part of a predisposition screen in an ostensibly healthy population. It had not been previously curated by ICSL or reported in the Human Gene Mutation Database (HGMD: prior to June 1st, 2018), and was therefore a candidate for classification through an automated scoring system. Utilizing variant allele frequency, disease prevalence and penetrance estimates, and inheritance mode, an automated score was calculated to assess if this variant is too frequent to cause the disease. Based on the score and internal cut-off values, a variant classified as likely benign is not then subjected to further curation. The score for this variant resulted in a classification of likely benign for this disease.

NM_004100.5(EYA4):c.*1820A>T

Genes: TARID (TCF21 antisense RNA inducing promoter demethylation; minus strand), EYA4 (EYA transcriptional coactivator and phosphatase 4; plus strand). Cytogenetic location: 6q23.2.
Variant type: single nucleotide variant.
Coding change: c.*1820A>T on transcript NM_004100.5 (MANE Select); 1820 bases downstream of the stop codon, A replaced by T.
Molecular consequence: 3 prime UTR variant.
Genome position (GRCh38, 1-based): chr6:133,530,625, A>T. VCF-style: chr6-133530625-A-T. GRCh37 (hg19) VCF-style: chr6-133851763-A-T.
Other names: c.*1820A>T (NM_001301012.2, NM_001301013.2, NM_001370458.1 and 3 more transcripts).
Identifiers: ClinVar variation 903730 (VCV000903730.4), dbSNP rs184735364, ClinGen allele CA148051294.
Genomic context (GRCh38, chr6:133,530,625, plus strand): 5'-CTCTGTGGCTTCAATAAAGTCTACATTTTGCTCACAGATCACAACATTCACTGTGGAAAT[A>T]TGATTTCATTTCTTTAGGCTACAAACCTGTATTTCTTTACTGAATGCTAAGGCCATGTTT-3'